The following is an entry in ClinVar:

ClinVar aggregate classification (germline): Uncertain significance. Review status: criteria provided, multiple submitters, no conflicts (2 of 4 stars). 2 submissions from 2 submitters: Uncertain significance (2). Last evaluated 2025-04-12.

Conditions:
Corneal dystrophy, Fuchs endothelial, 8 (FECD8). Identifiers: Orphanet 98974, MedGen C3809798, MONDO:0014228, OMIM 615523.

Allele frequency attached by ClinVar (database versions not stated): TOPMed 0.00001; gnomAD exomes 0.00002; gnomAD 0.00002; ExAC 0.00001.
gnomAD v4.1: 63 of 1,606,286 alleles (0.0039%); highest among the groups gnomAD compares: Middle Eastern, 0.016%; no homozygotes.

Submissions (2):

Ambry Genetics
Classification: Uncertain significance. Last evaluated: 2025-04-12. Review status: criteria provided, single submitter. Criteria: Ambry Variant Classification Scheme 2023. Collection method: clinical testing. Allele origin: germline.

Centre for Mendelian Genomics, University Medical Centre Ljubljana
Classification: Uncertain significance for Corneal dystrophy, Fuchs endothelial, 8. Last evaluated: 2016-01-01. Review status: criteria provided, single submitter. Criteria: ACMG Guidelines, 2015. Collection method: clinical testing. Allele origin: unknown. Affected: yes.
Comment: This variant was classified as: Uncertain significance. The following ACMG criteria were applied in classifying this variant: PP3.

NM_001386094.1(AGBL1):c.985A>T (p.Thr329Ser)

Gene: AGBL1 (AGBL carboxypeptidase 1; plus strand). Cytogenetic location: 15q25.3.
Variant type: single nucleotide variant.
Coding change: c.985A>T on transcript NM_001386094.1 (MANE Select); coding-DNA position 985, A replaced by T.
Protein change: p.Thr329Ser; replaces threonine 329 with serine.
Molecular consequence: missense variant.
Genome position (GRCh38, 1-based): chr15:86,262,793, A>T. VCF-style: chr15-86262793-A-T. GRCh37 (hg19) VCF-style: chr15-86806024-A-T.
Other names: c.985A>T, p.Thr329Ser (NM_152336.4); short protein forms T329S.
Identifiers: ClinVar variation 932010 (VCV000932010.6), dbSNP rs745458688, ClinGen allele CA7715605.